The following is an entry in ClinVar:

NM_018668.5(VPS33B):c.1509dup (p.Lys504fs)

Gene: VPS33B (VPS33B late endosome and lysosome associated; minus strand). Cytogenetic location: 15q26.1.
Variant type: Duplication.
Coding change: c.1509dup on transcript NM_018668.5 (MANE Select); coding-DNA position 1509, one base duplicated (G; older notation c.1509dupG).
Protein change: p.Lys504fs; shifts the reading frame from lysine 504.
Molecular consequence: frameshift variant.
Genome position (GRCh38, 1-based): chr15:91,000,562, C duplicated on the plus strand (G on the coding strand, the reverse complement: VPS33B is on the minus strand). VCF-style (leftmost placement, unchanged base first): chr15-91000561-T-TC. GRCh37 (hg19) VCF-style: chr15-91543791-T-TC.
Other names: c.1428dup, p.Lys477fs (NM_001289148.1); c.1236dup, p.Lys413fs (NM_001289149.1); short protein forms K413fs, K477fs, K504fs.
Identifiers: ClinVar variation 1526115 (VCV001526115.5), dbSNP rs1209349503, ClinGen allele CA717051460.
Genomic context (GRCh38, chr15:91,000,561, plus strand): 5'-TTCGGCAGCTCAGGGGCACATAAGCACCACCGAAGACGTAAGCCATGTCTCGGGGCACTT[T>TC]CAGATCATACTCGCCGTCCACACGTGGGATCTGTAAGACAAAGGGACTTCATTAGGCAAG-3'

ClinVar aggregate classification (germline): Pathogenic. Review status: criteria provided, multiple submitters, no conflicts (2 of 4 stars). 5 submissions from 4 submitters: Pathogenic (3). 2 of the submissions do not count toward it. Last evaluated 2026-01-23.

Conditions:
Cholestasis, progressive familial intrahepatic, 12 (PFIC12). Also called: CHOLESTASIS, ISOLATED LOW-GGT. Identifiers: MedGen C5774311, MONDO:0031040, OMIM 620010.
Arthrogryposis, renal dysfunction, and cholestasis 1 (ARCS1). Identifiers: Orphanet 2697, MedGen C1859722, MONDO:0008822, OMIM 208085.
Keratoderma-ichthyosis-deafness syndrome, autosomal recessive (KDIDAR). Identifiers: MedGen C5774200, MONDO:0859278, OMIM 620009.

Allele frequency attached by ClinVar (database versions not stated): gnomAD exomes below 0.00001; gnomAD 0.00001; TOPMed 0.00001.

Submissions (5):

Labcorp Genetics (formerly Invitae), Labcorp
Classification: Pathogenic. Last evaluated: 2026-01-23. Review status: criteria provided, single submitter. Criteria: Invitae Variant Classification Sherloc (09022015). Collection method: clinical testing. Allele origin: germline.
Comment: This sequence change creates a premature translational stop signal (p.Lys504Glufs*23) in the VPS33B gene. It is expected to result in an absent or disrupted protein product. Loss-of-function variants in VPS33B are known to be pathogenic (PMID: 15052268, 16896922). This variant is not present in population databases (gnomAD no frequency). This premature translational stop signal has been observed in individual(s) with ARC syndrome (PMID: 18853461, 24782640). ClinVar contains an entry for this variant (Variation ID: 1526115). For these reasons, this variant has been classified as Pathogenic.

3billion
Classification: Pathogenic for Arthrogryposis, renal dysfunction, and cholestasis 1. Last evaluated: 2022-03-22. Review status: criteria provided, single submitter. Criteria: ACMG Guidelines, 2015. Collection method: clinical testing. Allele origin: germline. Affected: yes. Observed: 1 heterozygote.
Comment: Frameshift: predicted to result in a loss or disruption of normal protein function through nonsense-mediated decay (NMD) or protein truncation. Multiple pathogenic variants are reported downstream of the variant. It is not observed in the gnomAD v2.1.1 dataset. This variant has been reported to be associated with VPS33B related disorder (PMID:18853461). Therefore, this variant is classified as pathogenic according to the recommendation of ACMG/AMP guideline.

Juno Genomics, Hangzhou Juno Genomics, Inc
Classification: Pathogenic for Arthrogryposis, renal dysfunction, and cholestasis 1; Cholestasis, progressive familial intrahepatic, 12; Keratoderma-ichthyosis-deafness syndrome, autosomal recessive. Review status: criteria provided, single submitter. Criteria: ACMG Guidelines, 2015. Collection method: clinical testing. Allele origin: germline.
Comment: Absent from controls (or at extremely low frequency if recessive) in Genome Aggregation Database.;Null variant in a gene where loss of function (LOF) is a known mechanism of disease.;For recessive disorders, detected in trans with a pathogenic variant.;Patient's phenotype or family history is highly specific for a disease with a single genetic etiology.;Co-segregation with disease in multiple affected family members.

OMIM
Classification: Pathogenic for ARTHROGRYPOSIS, RENAL DYSFUNCTION, AND CHOLESTASIS 1. Last evaluated: 2022-08-18. Review status: no assertion criteria provided. Collection method: literature only. Allele origin: germline. Not counted in ClinVar's aggregate classification.

OMIM
Classification: Pathogenic for CHOLESTASIS, PROGRESSIVE FAMILIAL INTRAHEPATIC, 12. Last evaluated: 2022-08-18. Review status: no assertion criteria provided. Collection method: literature only. Allele origin: germline. Not counted in ClinVar's aggregate classification.

Literature cited by the submitters: PubMed 15052268 (cited by Labcorp Genetics (formerly Invitae), Labcorp); PubMed 16896922 (cited by Labcorp Genetics (formerly Invitae), Labcorp); PubMed 18853461 (cited by Labcorp Genetics (formerly Invitae), Labcorp and 3billion); PubMed 24782640 (cited by Labcorp Genetics (formerly Invitae), Labcorp); PubMed 31479177 (cited by OMIM).